The following is an entry in ClinVar:

NM_001204.7(BMPR2):c.2108G>C (p.Ser703Thr)

Gene: BMPR2 (bone morphogenetic protein receptor type 2; plus strand). Cytogenetic location: 2q33.2.
Variant type: single nucleotide variant.
Coding change: c.2108G>C on transcript NM_001204.7 (MANE Select); coding-DNA position 2108, G replaced by C.
Protein change: p.Ser703Thr; replaces serine 703 with threonine.
Molecular consequence: missense variant.
Genome position (GRCh38, 1-based): chr2:202,555,773, G>C. VCF-style: chr2-202555773-G-C. GRCh37 (hg19) VCF-style: chr2-203420496-G-C.
Other names: short protein forms S703T.
Identifiers: ClinVar variation 3992140 (VCV003992140.1).

ClinVar aggregate classification (germline): Uncertain significance (1 of 4 stars; one submission).

Conditions:
Inborn genetic diseases. Identifiers: MedGen C0950123, MeSH D030342.

Submission:

Ambry Genetics
Classification: Uncertain significance for Inborn genetic diseases. Last evaluated: 2025-05-01. Review status: criteria provided, single submitter. Criteria: Ambry Variant Classification Scheme 2023. Collection method: clinical testing. Allele origin: germline.
Comment: The p.S703T variant (also known as c.2108G>C), located in coding exon 12 of the BMPR2 gene, results from a G to C substitution at nucleotide position 2108. The serine at codon 703 is replaced by threonine, an amino acid with similar properties. This amino acid position is conserved. In addition, the in silico prediction for this alteration is inconclusive. Based on the available evidence, the clinical significance of this variant remains unclear.